The following is an entry in ClinVar:

ClinVar aggregate classification (germline): Uncertain significance. Review status: criteria provided, multiple submitters, no conflicts (2 of 4 stars). 2 submissions from 2 submitters: Uncertain significance (2). Last evaluated 2024-02-25.

Conditions:
Hereditary cancer-predisposing syndrome. Also called: Tumor predisposition; Hereditary neoplastic syndrome; Hereditary Cancer Syndrome; Neoplastic Syndromes, Hereditary. Identifiers: Orphanet 140162, MedGen C0027672, MeSH D009386, MONDO:0015356.
Familial cancer of breast. Also called: Hereditary breast cancer; hereditary breast carcinoma; BREAST CANCER, FAMILIAL. Identifiers: Orphanet 227535, MedGen C0346153, MONDO:0016419, OMIM 114480. Disease mechanism: loss of function.

Submissions (2):

Ambry Genetics
Classification: Uncertain significance for Hereditary cancer-predisposing syndrome. Last evaluated: 2024-02-25. Review status: criteria provided, single submitter. Criteria: Ambry Variant Classification Scheme 2023. Collection method: clinical testing. Allele origin: germline.
Comment: The p.F427I variant (also known as c.1279T>A), located in coding exon 11 of the CHEK2 gene, results from a T to A substitution at nucleotide position 1279. The phenylalanine at codon 427 is replaced by isoleucine, an amino acid with highly similar properties. This amino acid position is conserved. In addition, this alteration is predicted to be deleterious by in silico analysis. Based on the available evidence, the clinical significance of this alteration remains unclear.

Labcorp Genetics (formerly Invitae), Labcorp
Classification: Uncertain significance for Familial cancer of breast. Last evaluated: 2021-04-13. Review status: criteria provided, single submitter. Criteria: Invitae Variant Classification Sherloc (09022015). Collection method: clinical testing. Allele origin: germline.
Comment: In summary, the available evidence is currently insufficient to determine the role of this variant in disease. Therefore, it has been classified as a Variant of Uncertain Significance. Algorithms developed to predict the effect of missense changes on protein structure and function are either unavailable or do not agree on the potential impact of this missense change (SIFT: "Deleterious"; PolyPhen-2: "Probably Damaging"; Align-GVGD: "Class C0"). This variant has not been reported in the literature in individuals with CHEK2-related conditions. This variant is not present in population databases (ExAC no frequency). This sequence change replaces phenylalanine with isoleucine at codon 427 of the CHEK2 protein (p.Phe427Ile). The phenylalanine residue is highly conserved and there is a small physicochemical difference between phenylalanine and isoleucine.

NM_007194.4(CHEK2):c.1279T>A (p.Phe427Ile)

Gene: CHEK2 (checkpoint kinase 2; minus strand). Cytogenetic location: 22q12.1.
Variant type: single nucleotide variant.
Coding change: c.1279T>A on transcript NM_007194.4 (MANE Select); coding-DNA position 1279, T replaced by A.
Protein change: p.Phe427Ile; replaces phenylalanine 427 with isoleucine.
Molecular consequence: missense variant.
Genome position (GRCh38, 1-based): chr22:28,695,223, A>T on the plus strand (T>A on the coding strand, the complement: CHEK2 is on the minus strand). VCF-style: chr22-28695223-A-T. GRCh37 (hg19) VCF-style: chr22-29091211-A-T.
Other names: c.1408T>A, p.Phe470Ile (NM_001005735.3); c.616T>A, p.Phe206Ile (NM_001257387.3); c.1078T>A, p.Phe360Ile (NM_001349956.3); c.1192T>A, p.Phe398Ile (NM_145862.3); short protein forms F206I, F360I, F427I, F470I, F398I.
Identifiers: ClinVar variation 1461826 (VCV001461826.10), dbSNP rs2145795572, ClinGen allele CA411096264.